The following is an entry in ClinVar:

NM_001271938.2(MEGF8):c.6381_6382insCAGT (p.Ala2128fs)

Gene: MEGF8 (multiple EGF like domains 8; plus strand). Cytogenetic location: 19q13.2.
Variant type: Insertion.
Coding change: c.6381_6382insCAGT on transcript NM_001271938.2 (MANE Select); coding-DNA positions 6381 to 6382, CAGT inserted.
Protein change: p.Ala2128fs; shifts the reading frame from alanine 2128.
Molecular consequence: frameshift variant.
Genome position: GRCh38 VCF-style: chr19-42368562-C-CCAGT. GRCh37 (hg19) VCF-style: chr19-42872714-C-CCAGT.
Other names: c.6180_6181insCAGT, p.Ala2061fs (NM_001410.3); short protein forms A2128fs, A2061fs.
Identifiers: ClinVar variation 4996522 (VCV004996522.1).

ClinVar aggregate classification (germline): Likely pathogenic (1 of 4 stars; one submission).

Conditions:
MEGF8-related disorder. Also called: MEGF8-related condition.

Submission:

PreventionGenetics, part of Exact Sciences
Classification: Likely pathogenic for MEGF8-related condition. Last evaluated: 2026-06-27. Review status: criteria provided, single submitter. Criteria: ACMG Guidelines, 2015. Collection method: clinical testing. Allele origin: germline.
Comment: The MEGF8 c.6180_6181insCAGT variant is predicted to result in a frameshift and premature protein termination (p.Ala2061Glnfs*34). To our knowledge, this variant has not been reported in the literature or in a large population database (gnomAD), indicating this variant is rare. Frameshift variants in MEGF8 are expected to be pathogenic. This variant is interpreted as likely pathogenic.